The following is an entry in ClinVar:

NM_020631.6(PLEKHG5):c.1827G>A (p.Thr609=)

Gene: PLEKHG5 (pleckstrin homology and RhoGEF domain containing G5; minus strand). Cytogenetic location: 1p36.31.
Variant type: single nucleotide variant.
Coding change: c.1827G>A on transcript NM_020631.6 (MANE Select); coding-DNA position 1827, G replaced by A.
Protein change: p.Thr609=; no amino-acid change (threonine 609 retained).
Molecular consequence: synonymous variant.
Genome position (GRCh38, 1-based): chr1:6,469,650, C>T on the plus strand (G>A on the coding strand, the complement: PLEKHG5 is on the minus strand). VCF-style: chr1-6469650-C-T. GRCh37 (hg19) VCF-style: chr1-6529710-C-T.
Other names: c.1938G>A, p.Thr646= (NM_001042663.3, NM_001265592.2); c.1827G>A, p.Thr609= (NM_001042664.2, NM_001042665.2, NM_001265594.3 and 1 more transcripts); c.2034G>A, p.Thr678= (NM_001265593.2).
Identifiers: ClinVar variation 1982472 (VCV001982472.2), dbSNP rs1245178945, ClinGen allele CA415831978.
Genomic context (GRCh38, chr1:6,469,650, plus strand): 5'-TGGCCTGATGACCCTGGTCCTCTCTGCCTTCTTCACTGCTTTGGTCACCAACAGCAGATC[C>T]GTGAAGAGGAAGCAGTACACATCCATCTGCAGTGGCAGGAGGGGGGGTGGCCAGAGAGGC-3'
Protein context (NP_065682.2, residues 599-619): SKMDVYCFLF[Thr609=]DLLLVTKAVK

ClinVar aggregate classification (germline): Uncertain significance (1 of 4 stars; one submission).

Conditions:
Charcot-Marie-Tooth disease recessive intermediate C. Also called: CHARCOT-MARIE-TOOTH NEUROPATHY, RECESSIVE INTERMEDIATE C. Identifiers: Orphanet 369867, MedGen C3809309, MONDO:0014154, OMIM 615376.
Neuronopathy, distal hereditary motor, autosomal recessive 4. Also called: Autosomal recessive lower motor neuron disease with childhood onset; NEUROPATHY, DISTAL HEREDITARY MOTOR, AUTOSOMAL RECESSIVE 4. Identifiers: Orphanet 206580, MedGen C1970211, MONDO:0012608, OMIM 611067.

Allele frequency attached by ClinVar (database versions not stated): gnomAD 0.00001; gnomAD exomes 0.00001; TOPMed 0.00001.
gnomAD v4.1: 8 of 1,613,420 alleles (0.0005%); highest among the groups gnomAD compares: South Asian, 0.0011%; no homozygotes.

Submissions (2):

Labcorp Genetics (formerly Invitae), Labcorp
Classification: Uncertain significance for Neuronopathy, distal hereditary motor, autosomal recessive 4; Charcot-Marie-Tooth disease recessive intermediate C. Last evaluated: 2022-07-15. Review status: criteria provided, single submitter. Criteria: Invitae Variant Classification Sherloc (09022015). Collection method: clinical testing. Allele origin: germline.
Comment: This sequence change affects codon 609 of the PLEKHG5 mRNA. It is a 'silent' change, meaning that it does not change the encoded amino acid sequence of the PLEKHG5 protein. This variant is present in population databases (no rsID available, gnomAD 0.003%). This variant has not been reported in the literature in individuals affected with PLEKHG5-related conditions. Algorithms developed to predict the effect of sequence changes on RNA splicing suggest that this variant may disrupt the consensus splice site. In summary, the available evidence is currently insufficient to determine the role of this variant in disease. Therefore, it has been classified as a Variant of Uncertain Significance.

Dr. Peter K. Rogan Lab, Western University
No classification provided (evidence only). Condition: Thymoma. Review status: no classification provided. Collection method: in vitro. Allele origin: not applicable. Functional consequence: retained intron. Not counted in ClinVar's aggregate classification.